The following is an entry in ClinVar:

NM_007254.4(PNKP):c.1541_1548dup (p.Gln517fs)

Gene: PNKP (polynucleotide kinase 3'-phosphatase; minus strand). Cytogenetic location: 19q13.33.
Variant type: Duplication.
Coding change: c.1541_1548dup on transcript NM_007254.4 (MANE Select); coding-DNA positions 1541 to 1548, 8 bases duplicated (TGTACTGC; older notation c.1541_1548dupTGTACTGC).
Protein change: p.Gln517fs; shifts the reading frame from glutamine 517.
Molecular consequence: frameshift variant.
Genome position (GRCh38, 1-based): chr19:49,861,266-49,861,273, GCAGTACA duplicated on the plus strand (TGTACTGC on the coding strand, the reverse complement: PNKP is on the minus strand); duplicating any 8 consecutive bases within chr19:49,861,266-49,861,275 gives the same sequence; the c. name uses the placement nearest the transcript's 3' end. VCF-style (leftmost placement, unchanged base first): chr19-49861265-G-GGCAGTACA. GRCh37 (hg19) VCF-style: chr19-50364522-G-GGCAGTACA.
Other names: c.1541_1548dup (NM_007254.2); short protein forms Q517fs.
Identifiers: ClinVar variation 801423 (VCV000801423.8), dbSNP rs1279136929, ClinGen allele CA633895237.

ClinVar aggregate classification (germline): Conflicting classifications of pathogenicity. Review status: criteria provided, conflicting classifications (1 of 4 stars). 5 submissions from 5 submitters: Pathogenic (2); Uncertain significance (3). Last evaluated 2026-08-06.

Conditions:
Developmental and epileptic encephalopathy, 12 (DEE12). Identifiers: MedGen C3150988, MONDO:0013389, OMIM 613722.
Charcot-Marie-Tooth disease type 2B2 (CMT2B2). Also called: CHARCOT-MARIE-TOOTH DISEASE, AXONAL, TYPE 2B2; CHARCOT-MARIE-TOOTH DISEASE, NEURONAL, TYPE 2B2; Charcot-Marie-Tooth Neuropathy Type 2B2; CHARCOT-MARIE-TOOTH DISEASE, AXONAL, AUTOSOMAL RECESSIVE, TYPE 2B2. Identifiers: Orphanet 101101, MedGen C1854150, MONDO:0011570, OMIM 605589.

Submissions (5):

OLLIN Analises Genomicas, OLLIN
Classification: Uncertain significance for Charcot-Marie-Tooth disease type 2B2. Last evaluated: 2026-08-06. Review status: criteria provided, single submitter. Criteria: ACMG Guidelines 2015 PMID 25741868. Collection method: clinical testing. Allele origin: germline. Inheritance: Autosomal recessive inheritance.
Comment: This frameshift variant, located in exon 17 (of 17), has been reported in ClinVar (accession VCV000801423.6) and in gnomAD with an allele frequency of 0.00044%. However, to our knowledge, it has not been reported in the scientific literature. This variant causes a frameshift and introduces a premature stop codon, which is predicted to result in either a truncated protein or degradation of the mRNA via nonsense-mediated decay (NMD). According to the currently available evidence, this variant has been classified as uncertain significance (PVS1_S, PM2_P).

GeneDx
Classification: Uncertain significance. Last evaluated: 2023-05-07. Review status: criteria provided, single submitter. Criteria: GeneDx Variant Classification Process June 2021. Collection method: clinical testing. Allele origin: germline. Affected: yes.
Comment: Not observed at significant frequency in large population cohorts (gnomAD); Frameshift variant predicted to result in protein extension as the last 5 amino acids are replaced with an unknown number of different amino acids, although loss-of-function variants have not been reported downstream of this position in the protein; Has not been previously published as pathogenic or benign to our knowledge; This variant is associated with the following publications: (PMID: 22508754)

Labcorp Genetics (formerly Invitae), Labcorp
Classification: Pathogenic for Developmental and epileptic encephalopathy, 12. Last evaluated: 2022-08-08. Review status: criteria provided, single submitter. Criteria: Invitae Variant Classification Sherloc (09022015). Collection method: clinical testing. Allele origin: germline.
Comment: For these reasons, this variant has been classified as Pathogenic. This variant disrupts a region of the PNKP protein in which other variant(s) (p.Gln517*) have been determined to be pathogenic (PMID: 30039206). This suggests that this is a clinically significant region of the protein, and that variants that disrupt it are likely to be disease-causing. ClinVar contains an entry for this variant (Variation ID: 801423). This variant has not been reported in the literature in individuals affected with PNKP-related conditions. This variant is present in population databases (no rsID available, gnomAD 0.007%). This sequence change results in a frameshift in the PNKP gene (p.Gln517Cysfs*?). While this is not anticipated to result in nonsense mediated decay, it is expected to disrupt the last 5 amino acid(s) of the PNKP protein and extend the protein by an uncertain number of additional amino acid residues.

Blueprint Genetics
Classification: Uncertain significance. Last evaluated: 2021-06-04. Review status: criteria provided, single submitter. Criteria: ACMG Guidelines, 2015. Collection method: clinical testing. Allele origin: germline.

Mendelics
Classification: Pathogenic. Last evaluated: 2019-05-28. Review status: criteria provided, single submitter. Criteria: Mendelics Assertion Criteria 2017. Collection method: clinical testing. Allele origin: unknown.

Literature cited by the submitters: PubMed 30039206 (cited by Labcorp Genetics (formerly Invitae), Labcorp).